The following is an entry in ClinVar:

NM_001379200.1(TBX1):c.104dup (p.Phe36fs)

Gene: TBX1 (T-box transcription factor 1; plus strand). Cytogenetic location: 22q11.21.
Variant type: Duplication.
Coding change: c.104dup on transcript NM_001379200.1 (MANE Select); coding-DNA position 104, one base duplicated (G; older notation c.104dupG).
Protein change: p.Phe36fs; shifts the reading frame from phenylalanine 36.
Molecular consequence: frameshift variant.
Genome position (GRCh38, 1-based): chr22:19,760,947, G duplicated; the last of 6 consecutive G bases (chr22:19,760,942-19,760,947); duplicating any one gives the same sequence. VCF-style (leftmost placement, unchanged base first): chr22-19760941-C-CG. GRCh37 (hg19) VCF-style: chr22-19748464-C-CG.
Other names: c.77dup, p.Phe27fs (NM_005992.1, NM_080646.2, NM_080647.1); short protein forms F27fs, F36fs.
Identifiers: ClinVar variation 5016700 (VCV005016700.1).

ClinVar aggregate classification (germline): Uncertain significance (1 of 4 stars; one submission).

Submission:

GeneDx
Classification: Uncertain significance. Last evaluated: 2026-03-27. Review status: criteria provided, single submitter. Criteria: GeneDx Variant Classification Process June 2021. Collection method: clinical testing. Allele origin: germline.
Comment: Frameshift variant predicted to result in protein truncation or nonsense mediated decay in a gene for which loss of function is a known mechanism of disease; Has not been previously published as pathogenic or benign to our knowledge.